The following is an entry in ClinVar:

NM_001012339.3(DNAJC21):c.493G>A (p.Ala165Thr)

Gene: DNAJC21 (DnaJ heat shock protein family (Hsp40) member C21; plus strand). Cytogenetic location: 5p13.2.
Variant type: single nucleotide variant.
Coding change: c.493G>A on transcript NM_001012339.3 (MANE Select); coding-DNA position 493, G replaced by A.
Protein change: p.Ala165Thr; replaces alanine 165 with threonine.
Molecular consequence: missense variant.
Genome position (GRCh38, 1-based): chr5:34,937,380, G>A. VCF-style: chr5-34937380-G-A. GRCh37 (hg19) VCF-style: chr5-34937485-G-A.
Other names: c.493G>A (NM_194283.3); c.493G>A, p.Ala165Thr (NM_001348420.2, NM_194283.4); short protein forms A165T.
Identifiers: ClinVar variation 1959466 (VCV001959466.6), dbSNP rs374691803, ClinGen allele CA3228479.

ClinVar aggregate classification (germline): Uncertain significance. Review status: criteria provided, multiple submitters, no conflicts (2 of 4 stars). 2 submissions from 2 submitters: Uncertain significance (2). Last evaluated 2025-09-28.

Conditions:
Inborn genetic diseases. Identifiers: MedGen C0950123, MeSH D030342.

Allele frequency attached by ClinVar (database versions not stated): TOPMed below 0.00001; ExAC 0.00001; ESP Exome Variant Server 0.00008.
gnomAD v4.1: 16 of 1,613,780 alleles (0.00099%); highest among the groups gnomAD compares: Non-Finnish European, 0.0012%; no homozygotes.

Submissions (2):

Ambry Genetics
Classification: Uncertain significance for Inborn genetic diseases. Last evaluated: 2025-09-28. Review status: criteria provided, single submitter. Criteria: Ambry Variant Classification Scheme 2023. Collection method: clinical testing. Allele origin: germline.

Labcorp Genetics (formerly Invitae), Labcorp
Classification: Uncertain significance. Last evaluated: 2022-08-13. Review status: criteria provided, single submitter. Criteria: Invitae Variant Classification Sherloc (09022015). Collection method: clinical testing. Allele origin: germline.
Comment: In summary, the available evidence is currently insufficient to determine the role of this variant in disease. Therefore, it has been classified as a Variant of Uncertain Significance. This variant is present in population databases (rs374691803, gnomAD 0.0009%). This variant has not been reported in the literature in individuals affected with DNAJC21-related conditions. Algorithms developed to predict the effect of missense changes on protein structure and function are either unavailable or do not agree on the potential impact of this missense change (SIFT: "Tolerated"; PolyPhen-2: "Possibly Damaging"; Align-GVGD: "Class C0"). This sequence change replaces alanine, which is neutral and non-polar, with threonine, which is neutral and polar, at codon 165 of the DNAJC21 protein (p.Ala165Thr).